The following is an entry in ClinVar:

ClinVar aggregate classification (germline): Uncertain significance (1 of 4 stars; one submission).

Allele frequency attached by ClinVar (database versions not stated): gnomAD exomes below 0.00001; TOPMed below 0.00001; gnomAD 0.00001.
gnomAD v4.1: 5 of 1,609,828 alleles (0.00031%); highest among the groups gnomAD compares: Non-Finnish European, 0.00034%; no homozygotes.

Submission:

GeneDx
Classification: Uncertain significance. Last evaluated: 2023-11-02. Review status: criteria provided, single submitter. Criteria: GeneDx Variant Classification Process June 2021. Collection method: clinical testing. Allele origin: germline. Affected: yes.
Comment: In silico analysis supports that this missense variant has a deleterious effect on protein structure/function; Has not been previously published as pathogenic or benign to our knowledge

NM_015557.3(CHD5):c.5689C>T (p.Arg1897Cys)

Gene: CHD5 (chromodomain helicase DNA binding protein 5; minus strand). Cytogenetic location: 1p36.31.
Variant type: single nucleotide variant.
Coding change: c.5689C>T on transcript NM_015557.3 (MANE Select); coding-DNA position 5689, C replaced by T.
Protein change: p.Arg1897Cys; replaces arginine 1897 with cysteine.
Molecular consequence: missense variant.
Genome position (GRCh38, 1-based): chr1:6,106,669, G>A on the plus strand (C>T on the coding strand, the complement: CHD5 is on the minus strand). VCF-style: chr1-6106669-G-A. GRCh37 (hg19) VCF-style: chr1-6166729-G-A.
Other names: short protein forms R1897C.
Identifiers: ClinVar variation 1315245 (VCV001315245.3), dbSNP rs1198902244, ClinGen allele CA338063470.